The following is an entry in ClinVar:

ClinVar aggregate classification (germline): Uncertain significance. Review status: criteria provided, multiple submitters, no conflicts (2 of 4 stars). 2 submissions from 2 submitters: Uncertain significance (2). Last evaluated 2025-09-04.

Allele frequency attached by ClinVar (database versions not stated): gnomAD exomes below 0.00001; TOPMed below 0.00001.

Submissions (2):

Labcorp Genetics (formerly Invitae), Labcorp
Classification: Uncertain significance. Last evaluated: 2025-09-04. Review status: criteria provided, single submitter. Criteria: Invitae Variant Classification Sherloc (09022015). Collection method: clinical testing. Allele origin: germline.
Comment: This sequence change replaces valine, which is neutral and non-polar, with glutamic acid, which is acidic and polar, at codon 555 of the FGFR3 protein (p.Val555Glu). This variant is not present in population databases (gnomAD no frequency). This variant has not been reported in the literature in individuals affected with FGFR3-related conditions. ClinVar contains an entry for this variant (Variation ID: 546957). Invitae Evidence Modeling of protein sequence and biophysical properties (such as structural, functional, and spatial information, amino acid conservation, physicochemical variation, residue mobility, and thermodynamic stability) indicates that this missense variant is expected to disrupt FGFR3 protein function with a positive predictive value of 95%. In summary, the available evidence is currently insufficient to determine the role of this variant in disease. Therefore, it has been classified as a Variant of Uncertain Significance.

CeGaT Center for Human Genetics Tuebingen
Classification: Uncertain significance. Last evaluated: 2018-02-01. Review status: criteria provided, single submitter. Criteria: CeGaT Center For Human Genetics Tuebingen Variant Classification Criteria Version 2. Collection method: clinical testing. Allele origin: germline. Affected: yes. Observed: 1 variant allele.

NM_000142.5(FGFR3):c.1664T>A (p.Val555Glu)

Gene: FGFR3 (fibroblast growth factor receptor 3; plus strand). Cytogenetic location: 4p16.3.
Variant type: single nucleotide variant.
Coding change: c.1664T>A on transcript NM_000142.5 (MANE Select); coding-DNA position 1664, T replaced by A.
Protein change: p.Val555Glu; replaces valine 555 with glutamic acid.
Molecular consequence: missense variant. On other transcripts: non-coding transcript variant (1).
Genome position (GRCh38, 1-based): chr4:1,805,768, T>A. VCF-style: chr4-1805768-T-A. GRCh37 (hg19) VCF-style: chr4-1807495-T-A.
Other names: c.1670T>A, p.Val557Glu (NM_001163213.2); c.1667T>A, p.Val556Glu (NM_001354809.2, NM_001354810.2); c.1328T>A, p.Val443Glu (NM_022965.4); short protein forms V555E, V557E, V443E, V556E.
Identifiers: ClinVar variation 546957 (VCV000546957.44), dbSNP rs1254322699, ClinGen allele CA355981677.
Genomic context (GRCh38, chr4:1,805,768, plus strand): 5'-CTCCTGGGCCTGGCAGCCCGTCTGAGGAGCCCGTGTCCCCAGGGCCCCTGTACGTGCTGG[T>A]GGAGTACGCGGCCAAGGGTAACCTGCGGGAGTTTCTGCGGGCGCGGCGGCCCCCGGGCCT-3'
Protein context (NP_000133.1, residues 545-565): CTQGGPLYVL[Val555Glu]EYAAKGNLRE